The following is an entry in ClinVar:

NM_002667.5(PLN):c.31G>A (p.Ala11Thr)

Genes: CEP85L (centrosomal protein 85L; minus strand), PLN (phospholamban; plus strand). Cytogenetic location: 6q22.31.
Variant type: single nucleotide variant.
Coding change: c.31G>A on transcript NM_002667.5 (MANE Select); coding-DNA position 31, G replaced by A.
Protein change: p.Ala11Thr; replaces alanine 11 with threonine.
Molecular consequence: missense variant. On other transcripts: intron variant (3).
Genome position (GRCh38, 1-based): chr6:118,558,952, G>A. VCF-style: chr6-118558952-G-A. GRCh37 (hg19) VCF-style: chr6-118880115-G-A.
Other names: c.1029+6577C>T (NM_001178035.2); c.1020+6577C>T (NM_001042475.3, NM_206921.3); short protein forms A11T.
Identifiers: ClinVar variation 1385567 (VCV001385567.6), dbSNP rs2114969616, ClinGen allele CA365546053.

ClinVar aggregate classification (germline): Uncertain significance (1 of 4 stars; one submission).

Conditions:
Dilated cardiomyopathy 1P (CMD1P). Identifiers: Orphanet 154, MedGen C1835928, MONDO:0012362, OMIM 609909.

Submission:

Labcorp Genetics (formerly Invitae), Labcorp
Classification: Uncertain significance for Dilated cardiomyopathy 1P. Last evaluated: 2024-09-06. Review status: criteria provided, single submitter. Criteria: Invitae Variant Classification Sherloc (09022015). Collection method: clinical testing. Allele origin: germline.
Comment: This sequence change replaces alanine, which is neutral and non-polar, with threonine, which is neutral and polar, at codon 11 of the PLN protein (p.Ala11Thr). This variant is not present in population databases (gnomAD no frequency). This variant has not been reported in the literature in individuals affected with PLN-related conditions. ClinVar contains an entry for this variant (Variation ID: 1385567). An algorithm developed to predict the effect of missense changes on protein structure and function (PolyPhen-2) suggests that this variant is likely to be disruptive. In summary, the available evidence is currently insufficient to determine the role of this variant in disease. Therefore, it has been classified as a Variant of Uncertain Significance.